The following is an entry in ClinVar:

NM_021615.5(CHST6):c.304T>G (p.Cys102Gly)

Gene: CHST6 (carbohydrate sulfotransferase 6; minus strand). Cytogenetic location: 16q23.1.
Variant type: single nucleotide variant.
Coding change: c.304T>G on transcript NM_021615.5 (MANE Select); coding-DNA position 304, T replaced by G.
Protein change: p.Cys102Gly; replaces cysteine 102 with glycine.
Molecular consequence: missense variant.
Genome position (GRCh38, 1-based): chr16:75,479,525, A>C on the plus strand (T>G on the coding strand, the complement: CHST6 is on the minus strand). VCF-style: chr16-75479525-A-C. GRCh37 (hg19) VCF-style: chr16-75513423-A-C.
Other names: short protein forms C102G.
Identifiers: ClinVar variation 5076 (VCV000005076.9), dbSNP rs121917822, ClinGen allele CA250520.

ClinVar aggregate classification (germline): Pathogenic. Review status: criteria provided, multiple submitters, no conflicts (2 of 4 stars). 4 submissions from 4 submitters: Pathogenic (3). 1 of the submissions does not count toward it. Last evaluated 2026-01-24.

Conditions:
Macular corneal dystrophy (MCD). Also called: GROENOUW TYPE II CORNEAL DYSTROPHY; Macular corneal dystrophy Type I. Identifiers: Orphanet 98969, MedGen C1636149, MONDO:0009020, OMIM 217800.

Allele frequency attached by ClinVar (database versions not stated): gnomAD exomes 0.00004 and 0.00001; gnomAD 0.00003; TOPMed 0.00003; ExAC 0.00001.
gnomAD v4.1: 70 of 1,612,724 alleles (0.0043%); highest among the groups gnomAD compares: Non-Finnish European, 0.0053%; no homozygotes.

Submissions (4):

Labcorp Genetics (formerly Invitae), Labcorp
Classification: Pathogenic for Macular corneal dystrophy. Last evaluated: 2026-01-24. Review status: criteria provided, single submitter. Criteria: Invitae Variant Classification Sherloc (09022015). Collection method: clinical testing. Allele origin: germline.
Comment: This sequence change replaces cysteine, which is neutral and slightly polar, with glycine, which is neutral and non-polar, at codon 102 of the CHST6 protein (p.Cys102Gly). This variant is present in population databases (rs121917822, gnomAD 0.003%). This missense change has been observed in individual(s) with macular corneal dystrophy (PMID: 12824236, 15013869, 32543930). In at least one individual the data is consistent with being in trans (on the opposite chromosome) from a pathogenic variant. ClinVar contains an entry for this variant (Variation ID: 5076). Invitae Evidence Modeling of protein sequence and biophysical properties (such as structural, functional, and spatial information, amino acid conservation, physicochemical variation, residue mobility, and thermodynamic stability) indicates that this missense variant is expected to disrupt CHST6 protein function with a positive predictive value of 80%. For these reasons, this variant has been classified as Pathogenic.

Fulgent Genetics
Classification: Pathogenic for Macular corneal dystrophy. Last evaluated: 2024-03-27. Review status: criteria provided, single submitter. Criteria: ACMG Guidelines, 2015. Collection method: clinical testing. Allele origin: germline.

Genetics and Molecular Pathology, SA Pathology
Classification: Pathogenic for Macular corneal dystrophy. Last evaluated: 2021-09-29. Review status: criteria provided, single submitter. Criteria: ACMG Guidelines, 2015. Collection method: clinical testing. Allele origin: germline. Inheritance: Autosomal recessive inheritance. Affected: yes.

OMIM
Classification: Pathogenic for MACULAR CORNEAL DYSTROPHY, TYPE I. Last evaluated: 2004-03-01. Review status: no assertion criteria provided. Collection method: literature only. Allele origin: germline. Not counted in ClinVar's aggregate classification.

Literature cited by the submitters: PubMed 12824236 (cited by Labcorp Genetics (formerly Invitae), Labcorp); PubMed 15013869 (cited by Labcorp Genetics (formerly Invitae), Labcorp and OMIM); PubMed 32543930 (cited by Labcorp Genetics (formerly Invitae), Labcorp).